The following is an entry in ClinVar:

ClinVar aggregate classification (germline): Pathogenic/Likely pathogenic. Review status: criteria provided, multiple submitters, no conflicts (2 of 4 stars). 4 submissions from 4 submitters: Pathogenic (3); Likely pathogenic (1). Last evaluated 2025-09-17.

Conditions:
FLG-related disorder. Also called: FLG-related condition; FLG-related disorders.
Ichthyosis vulgaris. Also called: ICHTHYOSIS SIMPLEX; Dominant ichthyosis vulgaris. Identifiers: MedGen C0079584, MONDO:0024304, OMIM 146700.
Dermatitis, atopic, 2. Identifiers: MedGen C1853965, MONDO:0011596, OMIM 605803.

Allele frequency attached by ClinVar (database versions not stated): TOPMed below 0.00001.

Submissions (4):

PreventionGenetics, part of Exact Sciences
Classification: Likely pathogenic for FLG-related condition. Last evaluated: 2025-09-17. Review status: criteria provided, single submitter. Criteria: ACMG Guidelines, 2015. Collection method: clinical testing. Allele origin: germline.
Comment: The FLG c.487G>T variant is predicted to result in premature protein termination (p.Gly163*). To our knowledge, this variant has not been reported in the literature in individuals with FLG-related disorders or in a large population database (gnomAD), indicating this variant is rare. Nonsense variants in FLG are expected to be pathogenic. This variant is interpreted as likely pathogenic.

GeneDx
Classification: Pathogenic. Last evaluated: 2024-10-14. Review status: criteria provided, single submitter. Criteria: GeneDx Variant Classification Process June 2021. Collection method: clinical testing. Allele origin: germline. Affected: yes.
Comment: Nonsense variant predicted to result in protein truncation, as the last 3899 amino acid(s) are lost, and other loss-of-function variants have been reported downstream in HGMD; Has not been previously published as pathogenic or benign to our knowledge; Not observed at significant frequency in large population cohorts (gnomAD)

Genome-Nilou Lab
Classification: Pathogenic for Ichthyosis vulgaris. Last evaluated: 2023-04-11. Review status: criteria provided, single submitter. Criteria: ACMG Guidelines, 2015. Collection method: clinical testing. Allele origin: germline. Affected: no.

Fulgent Genetics
Classification: Pathogenic for Ichthyosis vulgaris; Dermatitis, atopic, 2. Last evaluated: 2018-10-31. Review status: criteria provided, single submitter. Criteria: ACMG Guidelines, 2015. Collection method: clinical testing. Allele origin: unknown.

NM_002016.2(FLG):c.487G>T (p.Gly163Ter)

Genes: CCDST (cervical cancer associated DHX9 suppressive transcript; plus strand), FLG (filaggrin; minus strand). Cytogenetic location: 1q21.3.
Variant type: single nucleotide variant.
Coding change: c.487G>T on transcript NM_002016.2 (MANE Select); coding-DNA position 487, G replaced by T.
Protein change: p.Gly163Ter; replaces glycine 163 with a stop codon.
Molecular consequence: nonsense.
Genome position (GRCh38, 1-based): chr1:152,314,399, C>A on the plus strand (G>T on the coding strand, the complement: FLG is on the minus strand). VCF-style: chr1-152314399-C-A. GRCh37 (hg19) VCF-style: chr1-152286875-C-A.
Other names: short protein forms G163*.
Identifiers: ClinVar variation 523875 (VCV000523875.9), dbSNP rs1214424848, ClinGen allele CA342107332.